The following is an entry in ClinVar:

ClinVar aggregate classification (germline): Pathogenic. Review status: criteria provided, single submitter (1 of 4 stars). 2 submissions from 2 submitters: Pathogenic (1). 1 of the submissions does not count toward it. Last evaluated 2023-08-11.

Conditions:
Microcephaly. Also called: Microcephaly (disease). Identifiers: MedGen C4551563, MONDO:0001149, HP:0000252.

Allele frequency attached by ClinVar (database versions not stated): ExAC 0.00001; gnomAD 0.00001; gnomAD exomes 0.00001; TOPMed 0.00002.

Submissions (2):

Labcorp Genetics (formerly Invitae), Labcorp
Classification: Pathogenic. Last evaluated: 2023-08-11. Review status: criteria provided, single submitter. Criteria: Invitae Variant Classification Sherloc (09022015). Collection method: clinical testing. Allele origin: germline.
Comment: For these reasons, this variant has been classified as Pathogenic. ClinVar contains an entry for this variant (Variation ID: 1363003). This variant has not been reported in the literature in individuals affected with RTTN-related conditions. This variant is present in population databases (rs779516131, gnomAD 0.007%). This sequence change creates a premature translational stop signal (p.Tyr1482Leufs*7) in the RTTN gene. It is expected to result in an absent or disrupted protein product. Loss-of-function variants in RTTN are known to be pathogenic (PMID: 26608784, 26846091).

Cytogénomique, Hospices Civils de Lyon
Classification: Pathogenic for Microcephaly. Last evaluated: 2022-08-03. Review status: no assertion criteria provided. Collection method: clinical testing. Allele origin: maternal. Inheritance: Autosomal recessive inheritance. Affected: yes. Observed: 1 variant allele, 1 compound heterozygote. Not counted in ClinVar's aggregate classification.

Literature cited by the submitters: PubMed 26608784 (cited by Labcorp Genetics (formerly Invitae), Labcorp); PubMed 26846091 (cited by Labcorp Genetics (formerly Invitae), Labcorp).

NM_173630.4(RTTN):c.4444dup (p.Tyr1482fs)

Gene: RTTN (rotatin; minus strand). Cytogenetic location: 18q22.2.
Variant type: Duplication.
Coding change: c.4444dup on transcript NM_173630.4 (MANE Select); coding-DNA position 4444, one base duplicated (T; older notation c.4444dupT).
Protein change: p.Tyr1482fs; shifts the reading frame from tyrosine 1482.
Molecular consequence: frameshift variant.
Genome position (GRCh38, 1-based): chr18:70,075,472, A duplicated on the plus strand (T on the coding strand, the reverse complement: RTTN is on the minus strand). VCF-style (leftmost placement, unchanged base first): chr18-70075471-T-TA. GRCh37 (hg19) VCF-style: chr18-67742707-T-TA.
Other names: c.1708dup, p.Tyr570fs (NM_001318520.2); short protein forms Y1482fs, Y570fs.
Identifiers: ClinVar variation 1363003 (VCV001363003.6), dbSNP rs779516131, ClinGen allele CA8995246.